The following is an entry in ClinVar:

ClinVar aggregate classification (germline): Uncertain significance (1 of 4 stars; one submission).

Submission:

Women's Health and Genetics/Laboratory Corporation of America, LabCorp
Classification: Uncertain significance. Last evaluated: 2024-05-07. Review status: criteria provided, single submitter. Criteria: LabCorp Variant Classification Summary - May 2015. Collection method: clinical testing. Allele origin: germline.
Comment: Variant summary: POU4F1 c.110_113dupTGCC (p.Thr39AlafsX311) results in a premature termination codon, predicted to cause a truncation of the encoded protein, however current evidence is not sufficient to establish loss-of-function variants in POU4F1 as causative of disease. The frequency data for this variant in gnomAD is considered unreliable, as metrics indicate poor data quality at this position. To our knowledge, no occurrence of c.110_113dupTGCC in individuals affected with Ataxia, Intention Tremor, And Hypotonia Syndrome, Childhood-Onset and no experimental evidence demonstrating its impact on protein function have been reported. No submitters have cited clinical-significance assessments for this variant to ClinVar. Based on the evidence outlined above, the variant was classified as uncertain significance.

NM_006237.4(POU4F1):c.110_113dup (p.Thr39fs)

Genes: OBI1-AS1 (OBI1 antisense RNA 1; plus strand), POU4F1 (POU class 4 homeobox 1; minus strand). Cytogenetic location: 13q31.1.
Variant type: Microsatellite.
Coding change: c.110_113dup on transcript NM_006237.4 (MANE Select); coding-DNA positions 110 to 113, 4 bases duplicated (TGCC; older notation c.110_113dupTGCC).
Protein change: p.Thr39fs; shifts the reading frame from threonine 39.
Molecular consequence: frameshift variant.
Genome position (GRCh38, 1-based): chr13:78,603,214-78,603,217, GGCA duplicated on the plus strand (TGCC on the coding strand, the reverse complement: POU4F1 is on the minus strand); duplicating any 4 consecutive bases within chr13:78,603,214-78,603,224 gives the same sequence; the c. name uses the placement nearest the transcript's 3' end. VCF-style (leftmost placement, unchanged base first): chr13-78603213-G-GGGCA. GRCh37 (hg19) VCF-style: chr13-79177348-G-GGGCA.
Other names: c.110_113dupTGCC (NM_006237.4); short protein forms T39fs.
Identifiers: ClinVar variation 3336120 (VCV003336120.1).
Genomic context (GRCh38, chr13:78,603,213, plus strand): 5'-GACGGGGAGGGGCGGGCGCGCGGGCCGGGGCCGCGGGCGTGGGGCGCTTACCGGCGGCGT[G>GGGCA]GGCAGGCAGGCCCGCCGGATGGCCTCGGAGCTGGAGTGCAGCGACGGGTACTTGTGCTCA-3'